The following is an entry in ClinVar:

NM_020347.4(LZTFL1):c.456+6A>G

Gene: LZTFL1 (leucine zipper transcription factor like 1; minus strand). Cytogenetic location: 3p21.31.
Variant type: single nucleotide variant.
Coding change: c.456+6A>G on transcript NM_020347.4 (MANE Select); 6 bases into the intron after coding-DNA position 456, A replaced by G.
Molecular consequence: intron variant.
Genome position (GRCh38, 1-based): chr3:45,833,044, T>C on the plus strand (A>G on the coding strand, the complement: LZTFL1 is on the minus strand). VCF-style: chr3-45833044-T-C. GRCh37 (hg19) VCF-style: chr3-45874536-T-C.
Other names: c.480+6A>G (NM_001405925.1, NM_001405920.1); c.444+6A>G (NM_001276379.2, NM_001405921.1); c.405+6A>G (NM_001405927.1, NM_001276378.2, NM_001405926.1 and 4 more transcripts); c.456+6A>G (NM_001405924.1, NM_001386452.1).
Identifiers: ClinVar variation 3354086 (VCV003354086.1).
Genomic context (GRCh38, chr3:45,833,044, plus strand): 5'-TTCTCCACCCTAGGCAATGACAGGACAGAATGAGAGACTTTCCGTTTCTCAAAATAATAA[T>C]ATTACCTTGTTTAGGAGTTCTGCTGTTCCACCTTCATTAAGTGGAGCAAGTTTTGGCTTT-3'

ClinVar aggregate classification (germline): Likely benign (0 of 4 stars; one submission).

Conditions:
LZTFL1-related disorder. Also called: LZTFL1-related condition.

Submission:

PreventionGenetics, part of Exact Sciences
Classification: Likely benign for LZTFL1-related condition. Last evaluated: 2022-08-03. Review status: no assertion criteria provided. Collection method: clinical testing. Allele origin: germline.
Comment: This variant is classified as likely benign based on ACMG/AMP sequence variant interpretation guidelines (Richards et al. 2015 PMID: 25741868, with internal and published modifications).